The following is an entry in ClinVar:

ClinVar aggregate classification (germline): Pathogenic (1 of 4 stars; one submission).

Submission:

CeGaT Center for Human Genetics Tuebingen
Classification: Pathogenic. Last evaluated: 2026-05-01. Review status: criteria provided, single submitter. Criteria: CeGaT Center For Human Genetics Tuebingen Variant Classification Criteria Version 2. Collection method: clinical testing. Allele origin: germline. Affected: yes. Observed: 1 variant allele.
Comment: SCN1A: PS2:Very Strong, PM2, PP3, PS3:Supporting, PS4:Supporting

NM_001165963.4(SCN1A):c.3811T>C (p.Trp1271Arg)

Genes: SCN1A (sodium voltage-gated channel alpha subunit 1; minus strand), LOC102724058 (uncharacterized LOC102724058; plus strand). Cytogenetic location: 2q24.3.
Variant type: single nucleotide variant.
Coding change: c.3811T>C on transcript NM_001165963.4 (MANE Select); coding-DNA position 3811, T replaced by C.
Protein change: p.Trp1271Arg; replaces tryptophan 1271 with arginine.
Molecular consequence: missense variant. On other transcripts: non-coding transcript variant (1).
Genome position (GRCh38, 1-based): chr2:166,012,177, A>G on the plus strand (T>C on the coding strand, the complement: SCN1A is on the minus strand). VCF-style: chr2-166012177-A-G. GRCh37 (hg19) VCF-style: chr2-166868687-A-G.
Other names: c.1369T>C, p.Trp457Arg (NM_001353961.2); c.3778T>C, p.Trp1260Arg (NM_006920.6, NM_001353949.2, NM_001353950.2 and 2 more transcripts); c.3727T>C, p.Trp1243Arg (NM_001165964.3, NM_001353957.2, NM_001353958.2); c.3811T>C, p.Trp1271Arg (NM_001202435.3, NM_001353948.2); c.3775T>C, p.Trp1259Arg (NM_001353954.2, NM_001353955.2); c.3724T>C, p.Trp1242Arg (NM_001353960.2); short protein forms W1242R, W1243R, W1259R, W1260R, W1271R, W457R.
Identifiers: ClinVar variation 4874133 (VCV004874133.2).